The following is an entry in ClinVar:

NM_001195263.2(PDZD7):c.307G>T (p.Gly103Trp)

Gene: PDZD7 (PDZ domain containing 7; minus strand). Cytogenetic location: 10q24.31.
Variant type: single nucleotide variant.
Coding change: c.307G>T on transcript NM_001195263.2 (MANE Select); coding-DNA position 307, G replaced by T.
Protein change: p.Gly103Trp; replaces glycine 103 with tryptophan.
Molecular consequence: missense variant.
Genome position (GRCh38, 1-based): chr10:101,023,988, C>A on the plus strand (G>T on the coding strand, the complement: PDZD7 is on the minus strand). VCF-style: chr10-101023988-C-A. GRCh37 (hg19) VCF-style: chr10-102783745-C-A.
Other names: c.307G>T, p.Gly103Trp (NM_001351044.2, NM_001437429.1, NM_024895.5); short protein forms G103W.
Identifiers: ClinVar variation 4977776 (VCV004977776.1).
Genomic context (GRCh38, chr10:101,023,988, plus strand): 5'-CTGCACTGCTGCCTTCCTCCACTTTGCTGACGAAGATGCCCAGGCCATGCTCTGAGCCCC[C>A]GCGCACGCTGAAGCCCAGCCTCCCTGCTGGACTCTTCTCCACCCGGACTGAATGGATGAT-3'
Protein context (NP_001182192.1, residues 93-113): PAGRLGFSVR[Gly103Trp]GSEHGLGIFV

ClinVar aggregate classification (germline): Uncertain significance (1 of 4 stars; one submission).

Conditions:
PDZD7-related disorder. Also called: PDZD7-related condition; PDZD7-related disorders.

gnomAD v4.1: 13 of 1,614,270 alleles (0.00081%); highest among the groups gnomAD compares: African/African-American, 0.0013%; no homozygotes.

Submission:

PreventionGenetics, part of Exact Sciences
Classification: Uncertain significance for PDZD7-related condition. Last evaluated: 2024-12-20. Review status: criteria provided, single submitter. Criteria: ACMG Guidelines, 2015. Collection method: clinical testing. Allele origin: germline.
Comment: The PDZD7 c.307G>T variant is predicted to result in the amino acid substitution p.Gly103Trp. To our knowledge, this variant has not been reported in the literature. This variant is reported in 0.0018% of alleles in individuals of European (Non-Finnish) descent in gnomAD. At this time, the clinical significance of this variant is uncertain due to the absence of conclusive functional and genetic evidence.